The following is an entry in ClinVar:

NM_000170.3(GLDC):c.1811_1812insCACTCAGCAGCAG (p.Glu604fs)

Gene: GLDC (glycine decarboxylase; minus strand). Cytogenetic location: 9p24.1.
Variant type: Insertion.
Coding change: c.1811_1812insCACTCAGCAGCAG on transcript NM_000170.3 (MANE Select); coding-DNA positions 1811 to 1812, CACTCAGCAGCAG inserted.
Protein change: p.Glu604fs; shifts the reading frame from glutamic acid 604.
Molecular consequence: frameshift variant.
Genome position: GRCh38 VCF-style: chr9-6587179-T-TCTGCTGCTGAGTG. GRCh37 (hg19) VCF-style: chr9-6587179-T-TCTGCTGCTGAGTG.
Other names: short protein forms E604fs.
Identifiers: ClinVar variation 1726196 (VCV001726196.2), dbSNP rs2489076714, ClinGen allele CA2580080218.

ClinVar aggregate classification (germline): Likely pathogenic (1 of 4 stars; one submission).

Conditions:
Glycine encephalopathy. Also called: Non-ketotic hyperglycinemia; Nonketotic hyperglycinemia. Identifiers: Orphanet 407, MedGen C0751748, MONDO:0011612, HP:0008288.

Submission:

Myriad Genetics, Inc.
Classification: Likely pathogenic for Glycine encephalopathy 1. Last evaluated: 2022-05-21. Review status: criteria provided, single submitter. Criteria: Myriad Women's Health Autosomal Recessive and X-Linked Classification Criteria (2021). Collection method: clinical testing. Allele origin: unknown.
Comment: NM_000170.2(GLDC):c.1811_1812ins13(E604Dfs*10) is expected to be pathogenic in the context of glycine encephalopathy, GLDC-related. This variant is predicted to lead to an abnormal or absent protein product due to the creation of a premature termination codon in GLDC, a gene where loss-of-function variants are known to be pathogenic. Please note: this variant was assessed in the context of healthy population screening.